The following is an entry in ClinVar:

NM_013275.6(ANKRD11):c.2053A>G (p.Lys685Glu)

Gene: ANKRD11 (ankyrin repeat domain 11; minus strand). Cytogenetic location: 16q24.3.
Variant type: single nucleotide variant.
Coding change: c.2053A>G on transcript NM_013275.6 (MANE Select); coding-DNA position 2053, A replaced by G.
Protein change: p.Lys685Glu; replaces lysine 685 with glutamic acid.
Molecular consequence: missense variant.
Genome position (GRCh38, 1-based): chr16:89,284,489, T>C on the plus strand (A>G on the coding strand, the complement: ANKRD11 is on the minus strand). VCF-style: chr16-89284489-T-C. GRCh37 (hg19) VCF-style: chr16-89350897-T-C.
Other names: c.2053A>G, p.Lys685Glu (NM_001256182.2, NM_001256183.2); short protein forms K685E.
Identifiers: ClinVar variation 3711671 (VCV003711671.2).

ClinVar aggregate classification (germline): Uncertain significance (1 of 4 stars; one submission).

Conditions:
KBG syndrome (KBGS). Also called: ANKRD11-Related KBG Syndrome. Identifiers: Orphanet 2332, MedGen C0220687, MONDO:0007846, OMIM 148050.

gnomAD v4.1: 5 of 1,614,022 alleles (0.00031%); highest among the groups gnomAD compares: South Asian, 0.0011%; no homozygotes.

Submission:

Labcorp Genetics (formerly Invitae), Labcorp
Classification: Uncertain significance for KBG syndrome. Last evaluated: 2024-10-28. Review status: criteria provided, single submitter. Criteria: Invitae Variant Classification Sherloc (09022015). Collection method: clinical testing. Allele origin: germline.
Comment: This sequence change replaces lysine, which is basic and polar, with glutamic acid, which is acidic and polar, at codon 685 of the ANKRD11 protein (p.Lys685Glu). This variant is present in population databases (rs767957195, gnomAD 0.003%). This variant has not been reported in the literature in individuals affected with ANKRD11-related conditions. Invitae Evidence Modeling of protein sequence and biophysical properties (such as structural, functional, and spatial information, amino acid conservation, physicochemical variation, residue mobility, and thermodynamic stability) indicates that this missense variant is not expected to disrupt ANKRD11 protein function with a negative predictive value of 95%. In summary, the available evidence is currently insufficient to determine the role of this variant in disease. Therefore, it has been classified as a Variant of Uncertain Significance.